The following is an entry in ClinVar:

NM_000440.3(PDE6A):c.-42C>T

Gene: PDE6A (phosphodiesterase 6A; minus strand). Cytogenetic location: 5q32.
Variant type: single nucleotide variant.
Coding change: c.-42C>T on transcript NM_000440.3 (MANE Select); 42 bases upstream of the start codon, C replaced by T.
Molecular consequence: 5 prime UTR variant.
Genome position (GRCh38, 1-based): chr5:149,944,715, G>A on the plus strand (C>T on the coding strand, the complement: PDE6A is on the minus strand). VCF-style: chr5-149944715-G-A. GRCh37 (hg19) VCF-style: chr5-149324278-G-A.
Identifiers: ClinVar variation 905928 (VCV000905928.7), dbSNP rs113137904, ClinGen allele CA3505173.

ClinVar aggregate classification (germline): Benign/Likely benign. Review status: criteria provided, multiple submitters, no conflicts (2 of 4 stars). 3 submissions from 3 submitters: Benign (1); Likely benign (2). Last evaluated 2017-04-27.

Conditions:
Retinitis pigmentosa (RP). Identifiers: Orphanet 791, MedGen C0035334, MeSH D012174, MONDO:0019200, OMIM 268000. Inheritance: Autosomal dominant, autosomal recessive and X linked inheritance.

Allele frequency attached by ClinVar (database versions not stated): 1000 Genomes Project 0.00379; 1000 Genomes Project 30x 0.00437; TOPMed 0.00580; gnomAD 0.00603 and 0.00612; ExAC 0.00665; gnomAD exomes 0.00665; ESP Exome Variant Server 0.00739.
gnomAD v4.1: 10,712 of 1,515,196 alleles (0.71%); highest among the groups gnomAD compares: Middle Eastern, 1.8%; 67 homozygotes.

Submissions (3):

Illumina Laboratory Services, Illumina
Classification: Likely benign for Retinitis pigmentosa. Last evaluated: 2017-04-27. Review status: criteria provided, single submitter. Criteria: ICSL Variant Classification Criteria 13 December 2019. Collection method: clinical testing. Allele origin: germline.
Comment: This variant was observed as part of a predisposition screen in an ostensibly healthy population. A literature search was performed for the gene, cDNA change, and amino acid change (where applicable). Publications were found based on this search. The evidence from the literature, in combination with allele frequency data from public databases where available, was sufficient to determine this variant is unlikely to cause disease. Therefore, this variant is classified as likely benign.

GeneDx
Classification: Benign. Last evaluated: 2015-03-03. Review status: criteria provided, single submitter. Criteria: GeneDx Variant Classification Process June 2021. Collection method: clinical testing. Allele origin: germline. Affected: yes.

Breakthrough Genomics
Classification: Likely benign. Review status: criteria provided, single submitter. Criteria: ACMG Guidelines, 2015. Collection method: not provided. Allele origin: germline. Inheritance: Unknown mechanism. Affected: yes.

Literature cited by the submitters: PubMed 24416769 (cited by Illumina Laboratory Services, Illumina).